The following is an entry in ClinVar:

NM_003321.5(TUFM):c.1270C>T (p.Arg424Cys)

Gene: TUFM (Tu translation elongation factor, mitochondrial; minus strand). Cytogenetic location: 16p11.2.
Variant type: single nucleotide variant.
Coding change: c.1270C>T on transcript NM_003321.5 (MANE Select); coding-DNA position 1270, C replaced by T.
Protein change: p.Arg424Cys; replaces arginine 424 with cysteine.
Molecular consequence: missense variant.
Genome position (GRCh38, 1-based): chr16:28,843,073, G>A on the plus strand (C>T on the coding strand, the complement: TUFM is on the minus strand). VCF-style: chr16-28843073-G-A. GRCh37 (hg19) VCF-style: chr16-28854394-G-A.
Other names: c.1186C>T, p.Arg396Cys (NM_001365360.2); short protein forms R424C, R396C.
Identifiers: ClinVar variation 2189960 (VCV002189960.5), dbSNP rs775427401, ClinGen allele CA7985356.
Genomic context (GRCh38, chr16:28,843,073, plus strand): 5'-CCAGCGTGTTGGTGACTAGACCGGTGCCAATAGTCCGGTTGCCATCTCGCAGGGTGAAAC[G>A]CTGGCCTTTCTCTAAGATCATTGGCTGCCGCAAGATTAGGTTGAACTTCAGGTCCTCCCC-3'
Protein context (NP_003312.3, residues 414-434): RQPMILEKGQ[Arg424Cys]FTLRDGNRTI

ClinVar aggregate classification (germline): Uncertain significance. Review status: criteria provided, multiple submitters, no conflicts (2 of 4 stars). 2 submissions from 2 submitters: Uncertain significance (2). Last evaluated 2023-06-29.

Conditions:
Combined oxidative phosphorylation defect type 4. Identifiers: Orphanet 254925, MedGen C1857682, MONDO:0012534, OMIM 610678.

Allele frequency attached by ClinVar (database versions not stated): ExAC 0.00001; gnomAD 0.00001; gnomAD exomes 0.00001; TOPMed 0.00001.
gnomAD v4.1: 12 of 1,614,094 alleles (0.00074%); highest among the groups gnomAD compares: East Asian, 0.0045%; no homozygotes.

Submissions (2):

Labcorp Genetics (formerly Invitae), Labcorp
Classification: Uncertain significance. Last evaluated: 2023-06-29. Review status: criteria provided, single submitter. Criteria: Invitae Variant Classification Sherloc (09022015). Collection method: clinical testing. Allele origin: germline.
Comment: ClinVar contains an entry for this variant (Variation ID: 2189960). This variant is present in population databases (rs775427401, gnomAD 0.006%). This variant has not been reported in the literature in individuals affected with TUFM-related conditions. Advanced modeling of protein sequence and biophysical properties (such as structural, functional, and spatial information, amino acid conservation, physicochemical variation, residue mobility, and thermodynamic stability) has been performed at Invitae for this missense variant, however the output from this modeling did not meet the statistical confidence thresholds required to predict the impact of this variant on TUFM protein function. In summary, the available evidence is currently insufficient to determine the role of this variant in disease. Therefore, it has been classified as a Variant of Uncertain Significance. This sequence change replaces arginine, which is basic and polar, with cysteine, which is neutral and slightly polar, at codon 424 of the TUFM protein (p.Arg424Cys).

Juno Genomics, Hangzhou Juno Genomics, Inc
Classification: Uncertain significance for Combined oxidative phosphorylation defect type 4. Review status: criteria provided, single submitter. Criteria: ACMG Guidelines, 2015. Collection method: clinical testing. Allele origin: germline.
Comment: Absent from controls (or at extremely low frequency if recessive) in Genome Aggregation Database.;Multiple lines of computational evidence support a deleterious effect on the gene or gene product.